The following is an entry in ClinVar:

ClinVar aggregate classification (germline): Uncertain significance (1 of 4 stars; one submission).

gnomAD v4.1: 1 of 1,614,030 alleles (0.000062%); no homozygotes.

Submission:

Labcorp Genetics (formerly Invitae), Labcorp
Classification: Uncertain significance. Last evaluated: 2023-03-18. Review status: criteria provided, single submitter. Criteria: Invitae Variant Classification Sherloc (09022015). Collection method: clinical testing. Allele origin: germline.
Comment: This sequence change replaces glutamic acid, which is acidic and polar, with glycine, which is neutral and non-polar, at codon 1247 of the NBAS protein (p.Glu1247Gly). This variant is not present in population databases (gnomAD no frequency). In summary, the available evidence is currently insufficient to determine the role of this variant in disease. Therefore, it has been classified as a Variant of Uncertain Significance. Advanced modeling of protein sequence and biophysical properties (such as structural, functional, and spatial information, amino acid conservation, physicochemical variation, residue mobility, and thermodynamic stability) performed at Invitae indicates that this missense variant is not expected to disrupt NBAS protein function. This variant has not been reported in the literature in individuals affected with NBAS-related conditions.

NM_015909.4(NBAS):c.3740A>G (p.Glu1247Gly)

Gene: NBAS (NBAS subunit of NRZ tethering complex; minus strand). Cytogenetic location: 2p24.3.
Variant type: single nucleotide variant.
Coding change: c.3740A>G on transcript NM_015909.4 (MANE Select); coding-DNA position 3740, A replaced by G.
Protein change: p.Glu1247Gly; replaces glutamic acid 1247 with glycine.
Molecular consequence: missense variant. On other transcripts: non-coding transcript variant (1).
Genome position (GRCh38, 1-based): chr2:15,366,657, T>C on the plus strand (A>G on the coding strand, the complement: NBAS is on the minus strand). VCF-style: chr2-15366657-T-C. GRCh37 (hg19) VCF-style: chr2-15506781-T-C.
Other names: short protein forms E1247G.
Identifiers: ClinVar variation 2958009 (VCV002958009.3), dbSNP rs1674220002, ClinGen allele CA345894495.
Genomic context (GRCh38, chr2:15,366,657, plus strand): 5'-TCAGCAAGGCCCAGAAGCTTGGTGGATTGTTTATAGCATGTGGGGGACTGGGAAATACAC[T>C]CCTTGATGAGACTGATCCGATCAGGGCACAATCGCACTACAAAAGAAAGACGTATTAAAG-3'
Protein context (NP_056993.2, residues 1237-1257): LCPDRISLIK[Glu1247Gly]CISQSPTCYK